The following is an entry in ClinVar:

ClinVar aggregate classification (germline): Likely benign (0 of 4 stars; one submission).

Conditions:
ATP2B2-related disorder. Also called: ATP2B2-related condition.

Allele frequency attached by ClinVar (database versions not stated): ExAC 0.00003; gnomAD exomes 0.00003.
gnomAD v4.1: 44 of 1,613,980 alleles (0.0027%); highest among the groups gnomAD compares: East Asian, 0.051%; no homozygotes.

Submission:

PreventionGenetics, part of Exact Sciences
Classification: Likely benign for ATP2B2-related condition. Last evaluated: 2021-01-12. Review status: no assertion criteria provided. Collection method: clinical testing. Allele origin: germline.
Comment: This variant is classified as likely benign based on ACMG/AMP sequence variant interpretation guidelines (Richards et al. 2015 PMID: 25741868, with internal and published modifications).

NM_001001331.4(ATP2B2):c.3255G>A (p.Pro1085=)

Gene: ATP2B2 (ATPase plasma membrane Ca2+ transporting 2; minus strand). Cytogenetic location: 3p25.3.
Variant type: single nucleotide variant.
Coding change: c.3255G>A on transcript NM_001001331.4 (MANE Select); coding-DNA position 3255, G replaced by A.
Protein change: p.Pro1085=; no amino-acid change (proline 1085 retained).
Molecular consequence: synonymous variant.
Genome position (GRCh38, 1-based): chr3:10,338,341, C>T on the plus strand (G>A on the coding strand, the complement: ATP2B2 is on the minus strand). VCF-style: chr3-10338341-C-T. GRCh37 (hg19) VCF-style: chr3-10380025-C-T.
Other names: c.3120G>A, p.Pro1040= (NM_001330611.3, NM_001353564.1, NM_001363862.1 and 1 more transcripts).
Identifiers: ClinVar variation 3030698 (VCV003030698.2), dbSNP rs778841319, ClinGen allele CA2253136.